The following is an entry in ClinVar:

ClinVar aggregate classification (germline): Uncertain significance (1 of 4 stars; one submission).

Submission:

GeneDx
Classification: Uncertain significance. Last evaluated: 2025-04-24. Review status: criteria provided, single submitter. Criteria: GeneDx Variant Classification Process June 2021. Collection method: clinical testing. Allele origin: germline. Affected: yes.
Comment: Not observed at significant frequency in large population cohorts (gnomAD); In silico analysis supports that this missense variant has a deleterious effect on protein structure/function; Has not been previously published as pathogenic or benign to our knowledge; In silico analysis is inconclusive as to whether the variant alters gene splicing. In the absence of RNA/functional studies, the actual effect of this sequence change is unknown.

NM_001256627.2(BRSK2):c.853C>G (p.Arg285Gly)

Gene: BRSK2 (BR serine/threonine kinase 2; plus strand). Cytogenetic location: 11p15.5.
Variant type: single nucleotide variant.
Coding change: c.853C>G on transcript NM_001256627.2 (MANE Select); coding-DNA position 853, C replaced by G.
Protein change: p.Arg285Gly; replaces arginine 285 with glycine.
Molecular consequence: missense variant. On other transcripts: non-coding transcript variant (1).
Genome position (GRCh38, 1-based): chr11:1,445,334, C>G. VCF-style: chr11-1445334-C-G. GRCh37 (hg19) VCF-style: chr11-1466564-C-G.
Other names: c.853C>G, p.Arg285Gly (NM_001256629.2, NM_001440665.1, NM_001440666.1 and 3 more transcripts); c.991C>G, p.Arg331Gly (NM_001256630.1, NM_001440667.1); c.673C>G, p.Arg225Gly (NM_001282218.2, NM_001440669.1, NM_001440671.1 and 5 more transcripts); short protein forms R225G, R285G, R331G.
Identifiers: ClinVar variation 4527626 (VCV004527626.1).
Genomic context (GRCh38, chr11:1,445,334, plus strand): 5'-GGCCCGTCCTGTGTCCACAGAGGGGGCAAGAATGAGCCCGAACCAGAGCAGCCCATTCCT[C>G]GCAAGGTGCAGATCCGCTCGCTGCCCAGCCTGGAGGACATCGACCCCGACGTGCTGGACA-3'
Protein context (NP_001243556.1, residues 275-295): NEPEPEQPIP[Arg285Gly]KVQIRSLPSL